The following is an entry in ClinVar:

ClinVar aggregate classification (germline): Pathogenic (1 of 4 stars; one submission).

Submission:

Labcorp Genetics (formerly Invitae), Labcorp
Classification: Pathogenic. Last evaluated: 2022-06-28. Review status: criteria provided, single submitter. Criteria: Invitae Variant Classification Sherloc (09022015). Collection method: clinical testing. Allele origin: germline.
Comment: This sequence change creates a premature translational stop signal (p.Leu739Serfs*5) in the CEP135 gene. It is expected to result in an absent or disrupted protein product. Loss-of-function variants in CEP135 are known to be pathogenic (PMID: 22521416, 26657937). This variant is not present in population databases (gnomAD no frequency). This variant has not been reported in the literature in individuals affected with CEP135-related conditions. For these reasons, this variant has been classified as Pathogenic.

Literature cited by the submitters: PubMed 22521416; PubMed 26657937.

NM_025009.5(CEP135):c.2214del (p.Leu739fs)

Gene: CEP135 (centrosomal protein 135; plus strand). Cytogenetic location: 4q12.
Variant type: Deletion.
Coding change: c.2214del on transcript NM_025009.5 (MANE Select); coding-DNA position 2214, one base deleted (T; older notation c.2214delT).
Protein change: p.Leu739fs; shifts the reading frame from leucine 739.
Molecular consequence: frameshift variant.
Genome position (GRCh38, 1-based): chr4:55,999,579, T deleted; the last of 3 consecutive T bases (chr4:55,999,577-55,999,579); deleting any one gives the same sequence. VCF-style (leftmost placement, unchanged base first): chr4-55999576-CT-C. GRCh37 (hg19) VCF-style: chr4-56865742-CT-C.
Other names: short protein forms L739fs.
Identifiers: ClinVar variation 2082848 (VCV002082848.1), dbSNP rs2475347842, ClinGen allele CA2580071203.